The following is an entry in ClinVar:

ClinVar aggregate classification (germline): Benign. Review status: criteria provided, multiple submitters, no conflicts (2 of 4 stars). 5 submissions from 5 submitters: Benign (5). Last evaluated 2021-07-15.

Conditions:
Leukocyte adhesion deficiency type II. Also called: Congenital disorder of glycosylation type 2C; CDG 2C; Leukocyte adhesion deficiency type 2; Rambam Hasharon syndrome; CONGENITAL DISORDER OF GLYCOSYLATION, TYPE IIc; CDG IIc. Identifiers: Orphanet 2968, Orphanet 99843, MedGen C0398739, MONDO:0009953, OMIM 266265.

Allele frequency attached by ClinVar (database versions not stated): 1000 Genomes Project 0.45128; TOPMed 0.55127; gnomAD exomes 0.72725 and 0.63052; ESP Exome Variant Server 0.64021; ExAC 0.67412; 1000 Genomes Project 30x 0.44941.
gnomAD v4.1: 1,011,358 of 1,424,788 alleles (71%); highest among the groups gnomAD compares: Non-Finnish European, 76%; 373,827 homozygotes.

Submissions (5):

Genome-Nilou Lab
Classification: Benign for Leukocyte adhesion deficiency type II. Last evaluated: 2021-07-15. Review status: criteria provided, single submitter. Criteria: ACMG Guidelines, 2015. Collection method: clinical testing. Allele origin: germline. Affected: no.

GeneDx
Classification: Benign. Last evaluated: 2018-06-29. Review status: criteria provided, single submitter. Criteria: GeneDx Variant Classification Process June 2021. Collection method: clinical testing. Allele origin: germline. Affected: yes.

Illumina Laboratory Services, Illumina
Classification: Benign for Leukocyte adhesion deficiency type II. Last evaluated: 2018-01-12. Review status: criteria provided, single submitter. Criteria: ICSL Variant Classification Criteria 13 December 2019. Collection method: clinical testing. Allele origin: germline.
Comment: This variant was observed in the ICSL laboratory as part of a predisposition screen in an ostensibly healthy population. It had not been previously curated by ICSL or reported in the Human Gene Mutation Database (HGMD: prior to June 1st, 2018), and was therefore a candidate for classification through an automated scoring system. Utilizing variant allele frequency, disease prevalence and penetrance estimates, and inheritance mode, an automated score was calculated to assess if this variant is too frequent to cause the disease. Based on the score and internal cut-off values, a variant classified as benign is not then subjected to further curation. The score for this variant resulted in a classification of benign for this disease.

Breakthrough Genomics
Classification: Benign. Review status: criteria provided, single submitter. Criteria: ACMG Guidelines, 2015. Collection method: not provided. Allele origin: germline. Inheritance: Autosomal recessive inheritance. Affected: yes.

PreventionGenetics, part of Exact Sciences
Classification: Benign. Review status: criteria provided, single submitter. Criteria: ACMG Guidelines, 2015. Collection method: clinical testing. Allele origin: germline.

NM_018389.5(SLC35C1):c.*49G>A

Gene: SLC35C1 (solute carrier family 35 member C1; plus strand). Cytogenetic location: 11p11.2.
Variant type: single nucleotide variant.
Coding change: c.*49G>A on transcript NM_018389.5 (MANE Select); 49 bases downstream of the stop codon, G replaced by A.
Molecular consequence: 3 prime UTR variant.
Genome position (GRCh38, 1-based): chr11:45,811,384, G>A. VCF-style: chr11-45811384-G-A. GRCh37 (hg19) VCF-style: chr11-45832935-G-A.
Other names: c.*49G>A (NM_001145265.2, NM_001145266.2).
Identifiers: ClinVar variation 261026 (VCV000261026.11), dbSNP rs1139266, ClinGen allele CA5958406.